The following is an entry in ClinVar:

NM_001164508.2(NEB):c.18572del (p.Asn6191fs)

Gene: NEB (nebulin; minus strand). Cytogenetic location: 2q23.3.
Variant type: Deletion.
Coding change: c.18572del on transcript NM_001164508.2 (MANE Select); coding-DNA position 18572, one base deleted (A; older notation c.18572delA).
Protein change: p.Asn6191fs; shifts the reading frame from asparagine 6191.
Molecular consequence: frameshift variant.
Genome position (GRCh38, 1-based): chr2:151,563,830, T deleted on the plus strand (A on the coding strand, the reverse complement: NEB is on the minus strand); the first of 2 consecutive T bases (chr2:151,563,830-151,563,831); deleting either gives the same sequence. VCF-style (leftmost placement, unchanged base first): chr2-151563829-GT-G. GRCh37 (hg19) VCF-style: chr2-152420343-GT-G.
Other names: c.18572del, p.Asn6191fs (NM_001164507.2, NM_001271208.2); c.13469del, p.Asn4490fs (NM_004543.5); short protein forms N4490fs, N6191fs.
Identifiers: ClinVar variation 5013473 (VCV005013473.1).
Genomic context (GRCh38, chr2:151,563,829, plus strand): 5'-CCTTGATCCCCAGTAAAGACTCTCAAACTTAGGAGAGGAAAAGGTCATACTGACCTCACT[GT>G]TCACCAGATCAGCATGCTTGGCTCCAACAATGGGAATGTAGCGCTCATCCAGGGTGTAGC-3'

ClinVar aggregate classification (germline): Pathogenic (1 of 4 stars; one submission).

Conditions:
Nemaline myopathy 2 (NEM2). Also called: Nemaline myopathy 2, autosomal recessive. Identifiers: MedGen C1850569, MONDO:0009725, OMIM 256030.

Submission:

Myriad Genetics, Inc.
Classification: Pathogenic for Nemaline myopathy 2. Last evaluated: 2024-08-20. Review status: criteria provided, single submitter. Criteria: Myriad Autosomal Dominant, Autosomal Recessive and X-Linked Classification Criteria (2023). Collection method: clinical testing. Allele origin: unknown.
Comment: NM_001271208.1(NEB):c.18572delA(N6191Tfs*22) is expected to be pathogenic in the context of NEB-related nemaline myopathy. This variant is predicted to lead to an abnormal or absent protein product due to the creation of a premature termination codon in NEB, a gene where loss-of-function variants are known to be pathogenic. Please note: this variant was assessed in the context of healthy population screening.